The following is an entry in ClinVar:

ClinVar aggregate classification (germline): Uncertain significance (1 of 4 stars; one submission).

Conditions:
Dilated cardiomyopathy 1M (CMD1M). Identifiers: Orphanet 154, MedGen C1843808, MONDO:0011840, OMIM 607482.
Hypertrophic cardiomyopathy 12. Identifiers: MedGen C2677491, MONDO:0012804, OMIM 612124.

Submission:

Labcorp Genetics (formerly Invitae), Labcorp
Classification: Uncertain significance for Hypertrophic cardiomyopathy 12; Dilated cardiomyopathy 1M. Last evaluated: 2024-09-08. Review status: criteria provided, single submitter. Criteria: Invitae Variant Classification Sherloc (09022015). Collection method: clinical testing. Allele origin: germline.
Comment: This sequence change replaces histidine, which is basic and polar, with tyrosine, which is neutral and polar, at codon 36 of the CSRP3 protein (p.His36Tyr). This variant is not present in population databases (gnomAD no frequency). This missense change has been observed in individual(s) with dilated cardiomyopathy (PMID: 31983221). An algorithm developed to predict the effect of missense changes on protein structure and function (PolyPhen-2) suggests that this variant is likely to be tolerated. In summary, the available evidence is currently insufficient to determine the role of this variant in disease. Therefore, it has been classified as a Variant of Uncertain Significance.

Literature cited by the submitters: PubMed 31983221.

NM_003476.5(CSRP3):c.106C>T (p.His36Tyr)

Gene: CSRP3 (cysteine and glycine rich protein 3; minus strand). Cytogenetic location: 11p15.1.
Variant type: single nucleotide variant.
Coding change: c.106C>T on transcript NM_003476.5 (MANE Select); coding-DNA position 106, C replaced by T.
Protein change: p.His36Tyr; replaces histidine 36 with tyrosine.
Molecular consequence: missense variant.
Genome position (GRCh38, 1-based): chr11:19,192,343, G>A on the plus strand (C>T on the coding strand, the complement: CSRP3 is on the minus strand). VCF-style: chr11-19192343-G-A. GRCh37 (hg19) VCF-style: chr11-19213890-G-A.
Other names: c.106C>T, p.His36Tyr (NM_001369404.1); short protein forms H36Y.
Identifiers: ClinVar variation 3763456 (VCV003763456.2).
Genomic context (GRCh38, chr11:19,192,343, plus strand): 5'-TTTTGTGATGCTGTCCGGATGCTGAGGGGCCCCCAGGGTGTCCACCCAACTCACTGCAGT[G>A]GAAACACGTCTTGTGGAAACTCCTTCCATTGCACTGGATTTCTTCTGCATGGTAGACGGT-3'
Protein context (NP_003467.1, residues 26-46): NGRSFHKTCF[His36Tyr]CMACRKALDS